The following is an entry in ClinVar:

ClinVar aggregate classification (germline): Pathogenic (1 of 4 stars; one submission).

gnomAD v4.1: 6 of 1,262,814 alleles (0.00048%); highest among the groups gnomAD compares: African/African-American, 0.015%; no homozygotes.

Submission:

Labcorp Genetics (formerly Invitae), Labcorp
Classification: Pathogenic. Last evaluated: 2025-01-06. Review status: criteria provided, single submitter. Criteria: Invitae Variant Classification Sherloc (09022015). Collection method: clinical testing. Allele origin: germline.
Comment: This sequence change creates a premature translational stop signal (p.Glu1062*) in the PCARE gene. It is expected to result in an absent or disrupted protein product. Loss-of-function variants in PCARE are known to be pathogenic (PMID: 20398886, 24339724, 26496393). This variant is not present in population databases (gnomAD no frequency). This variant has not been reported in the literature in individuals affected with PCARE-related conditions. ClinVar contains an entry for this variant (Variation ID: 2141681). For these reasons, this variant has been classified as Pathogenic.

Literature cited by the submitters: PubMed 20398886; PubMed 24339724; PubMed 26496393.

NM_001029883.3(PCARE):c.3184G>T (p.Glu1062Ter)

Gene: PCARE (photoreceptor cilium actin regulator; minus strand). Cytogenetic location: 2p23.2.
Variant type: single nucleotide variant.
Coding change: c.3184G>T on transcript NM_001029883.3 (MANE Select); coding-DNA position 3184, G replaced by T.
Protein change: p.Glu1062Ter; replaces glutamic acid 1062 with a stop codon.
Molecular consequence: nonsense.
Genome position (GRCh38, 1-based): chr2:29,071,078, C>A on the plus strand (G>T on the coding strand, the complement: PCARE is on the minus strand). VCF-style: chr2-29071078-C-A. GRCh37 (hg19) VCF-style: chr2-29293944-C-A.
Other names: short protein forms E1062*.
Identifiers: ClinVar variation 2141681 (VCV002141681.4), dbSNP rs555070980, ClinGen allele CA346475645.
Genomic context (GRCh38, chr2:29,071,078, plus strand): 5'-GGCTTGCTTCTGGGTGCTGGGTTGGGGGGCTGGGGACCTTGCACTGAGCAGGTGCACTCT[C>A]GGGGGGAGGGTTGGGCAACTTGGGCTGGTGCGGTGGGGAAGTTCGCCGCTTTGTGGTGGG-3'